The following is an entry in ClinVar:

NM_000171.4(GLRA1):c.953G>T (p.Cys318Phe)

Gene: GLRA1 (glycine receptor alpha 1; minus strand). Cytogenetic location: 5q33.1.
Variant type: single nucleotide variant.
Coding change: c.953G>T on transcript NM_000171.4 (MANE Select); coding-DNA position 953, G replaced by T.
Protein change: p.Cys318Phe; replaces cysteine 318 with phenylalanine.
Molecular consequence: missense variant.
Genome position (GRCh38, 1-based): chr5:151,829,027, C>A on the plus strand (G>T on the coding strand, the complement: GLRA1 is on the minus strand). VCF-style: chr5-151829027-C-A. GRCh37 (hg19) VCF-style: chr5-151208588-C-A.
Other names: c.953G>T (NM_000171.3); c.953G>T, p.Cys318Phe (NM_001146040.2); c.704G>T, p.Cys235Phe (NM_001292000.2); short protein forms C235F, C318F.
Identifiers: ClinVar variation 2168836 (VCV002168836.5), dbSNP rs1336349549, ClinGen allele CA361851753.
Genomic context (GRCh38, chr5:151,829,027, plus strand): 5'-TGCCGAGACACAAAGTTAACGGCAGCATATTCTAATAGGGCTGAGAACACAAAGAGCAGG[C>A]AAACTGCCATCCAAATGTCAATGGCTTTCACATAGGACACCTAGAGTGGGGGTGGAGGAG-3'
Protein context (NP_000162.2, residues 308-328): VKAIDIWMAV[Cys318Phe]LLFVFSALLE

ClinVar aggregate classification (germline): Uncertain significance. Review status: criteria provided, multiple submitters, no conflicts (2 of 4 stars). 2 submissions from 2 submitters: Uncertain significance (2). Last evaluated 2026-04-28.

Conditions:
Hereditary hyperekplexia. Identifiers: Orphanet 3197, MedGen C4084968, MONDO:0021022.
Inborn genetic diseases. Identifiers: MedGen C0950123, MeSH D030342.

Allele frequency attached by ClinVar (database versions not stated): TOPMed below 0.00001.

Submissions (2):

Ambry Genetics
Classification: Uncertain significance for Inborn genetic diseases. Last evaluated: 2026-04-28. Review status: criteria provided, single submitter. Criteria: Ambry Variant Classification Scheme 2023. Collection method: clinical testing. Allele origin: germline.

Labcorp Genetics (formerly Invitae), Labcorp
Classification: Uncertain significance for Hereditary hyperekplexia. Last evaluated: 2025-12-17. Review status: criteria provided, single submitter. Criteria: Invitae Variant Classification Sherloc (09022015). Collection method: clinical testing. Allele origin: germline.
Comment: This sequence change replaces cysteine, which is neutral and slightly polar, with phenylalanine, which is neutral and non-polar, at codon 318 of the GLRA1 protein (p.Cys318Phe). This variant is not present in population databases (gnomAD no frequency). This variant has not been reported in the literature in individuals affected with GLRA1-related conditions. ClinVar contains an entry for this variant (Variation ID: 2168836). Invitae Evidence Modeling of protein sequence and biophysical properties (such as structural, functional, and spatial information, amino acid conservation, physicochemical variation, residue mobility, and thermodynamic stability) indicates that this missense variant is expected to disrupt GLRA1 protein function with a positive predictive value of 80%. In summary, the available evidence is currently insufficient to determine the role of this variant in disease. Therefore, it has been classified as a Variant of Uncertain Significance.